The following is an entry in ClinVar:

NM_004369.4(COL6A3):c.6592G>A (p.Gly2198Ser)

Gene: COL6A3 (collagen type VI alpha 3 chain; minus strand). Cytogenetic location: 2q37.3.
Variant type: single nucleotide variant.
Coding change: c.6592G>A on transcript NM_004369.4 (MANE Select); coding-DNA position 6592, G replaced by A.
Protein change: p.Gly2198Ser; replaces glycine 2198 with serine.
Molecular consequence: missense variant.
Genome position (GRCh38, 1-based): chr2:237,354,934, C>T on the plus strand (G>A on the coding strand, the complement: COL6A3 is on the minus strand). VCF-style: chr2-237354934-C-T. GRCh37 (hg19) VCF-style: chr2-238263577-C-T.
Other names: c.4771G>A, p.Gly1591Ser (NM_057166.5); c.5974G>A, p.Gly1992Ser (NM_057167.4); short protein forms G2198S, G1992S, G1591S.
Identifiers: ClinVar variation 573859 (VCV000573859.11), dbSNP rs1257553370, ClinGen allele CA351213787.

ClinVar aggregate classification (germline): Uncertain significance (1 of 4 stars; one submission).

Conditions:
Bethlem myopathy 1A. Also called: Bethlem myopathy 1; MYOPATHY, BENIGN CONGENITAL, WITH CONTRACTURES; Bethlem Muscular Dystrophy. Identifiers: Orphanet 610, MedGen CN029274, MONDO:0024530, OMIM 158810.

Allele frequency attached by ClinVar (database versions not stated): gnomAD 0.00001; gnomAD exomes 0.00002; TOPMed 0.00002.
gnomAD v4.1: 26 of 1,613,638 alleles (0.0016%); highest among the groups gnomAD compares: Non-Finnish European, 0.0022%; no homozygotes.

Submission:

Labcorp Genetics (formerly Invitae), Labcorp
Classification: Uncertain significance for Bethlem myopathy 1A. Last evaluated: 2025-12-09. Review status: criteria provided, single submitter. Criteria: Invitae Variant Classification Sherloc (09022015). Collection method: clinical testing. Allele origin: germline.
Comment: This sequence change replaces glycine, which is neutral and non-polar, with serine, which is neutral and polar, at codon 2198 of the COL6A3 protein (p.Gly2198Ser). This variant is present in population databases (no rsID available, gnomAD 0.007%). This variant has not been reported in the literature in individuals affected with COL6A3-related conditions. ClinVar contains an entry for this variant (Variation ID: 573859). An algorithm developed to predict the effect of missense changes on protein structure and function (PolyPhen-2) suggests that this variant is likely to be tolerated. In summary, the available evidence is currently insufficient to determine the role of this variant in disease. Therefore, it has been classified as a Variant of Uncertain Significance.